The following is an entry in ClinVar:

NM_170784.3(MKKS):c.76C>G (p.Leu26Val)

Gene: MKKS (MKKS centrosomal shuttling protein; minus strand). Cytogenetic location: 20p12.2.
Variant type: single nucleotide variant.
Coding change: c.76C>G on transcript NM_170784.3 (MANE Select); coding-DNA position 76, C replaced by G.
Protein change: p.Leu26Val; replaces leucine 26 with valine.
Molecular consequence: missense variant.
Genome position (GRCh38, 1-based): chr20:10,413,439, G>C on the plus strand (C>G on the coding strand, the complement: MKKS is on the minus strand). VCF-style: chr20-10413439-G-C. GRCh37 (hg19) VCF-style: chr20-10394087-G-C.
Other names: c.76C>G, p.Leu26Val (NM_018848.3); short protein forms L26V.
Identifiers: ClinVar variation 2131327 (VCV002131327.4), dbSNP rs774340585, ClinGen allele CA408233882.

ClinVar aggregate classification (germline): Uncertain significance (1 of 4 stars; one submission).

Conditions:
Bardet-Biedl syndrome (BBS). Identifiers: Orphanet 110, MedGen C0752166, MONDO:0015229.
McKusick-Kaufman syndrome (MKKS). Also called: HYDROMETROCOLPOS SYNDROME; HYDROMETROCOLPOS, POSTAXIAL POLYDACTYLY, AND CONGENITAL HEART MALFORMATION. Identifiers: Orphanet 2473, MedGen C0948368, MONDO:0009367, OMIM 236700.

gnomAD v4.1: 1 of 1,613,788 alleles (0.000062%); highest among the groups gnomAD compares: Admixed American, 0.0017%; no homozygotes.

Submission:

Labcorp Genetics (formerly Invitae), Labcorp
Classification: Uncertain significance for McKusick-Kaufman syndrome; Bardet-Biedl syndrome. Last evaluated: 2022-04-28. Review status: criteria provided, single submitter. Criteria: Invitae Variant Classification Sherloc (09022015). Collection method: clinical testing. Allele origin: germline.
Comment: This sequence change replaces leucine, which is neutral and non-polar, with valine, which is neutral and non-polar, at codon 26 of the MKKS protein (p.Leu26Val). This variant is present in population databases (no rsID available, gnomAD 0.003%). This variant has not been reported in the literature in individuals affected with MKKS-related conditions. Algorithms developed to predict the effect of missense changes on protein structure and function are either unavailable or do not agree on the potential impact of this missense change (SIFT: "Deleterious"; PolyPhen-2: "Possibly Damaging"; Align-GVGD: "Class C0"). In summary, the available evidence is currently insufficient to determine the role of this variant in disease. Therefore, it has been classified as a Variant of Uncertain Significance.